The following is an entry in ClinVar:

NM_017654.4(SAMD9):c.3596G>A (p.Gly1199Glu)

Gene: SAMD9 (sterile alpha motif domain containing 9; minus strand). Cytogenetic location: 7q21.2.
Variant type: single nucleotide variant.
Coding change: c.3596G>A on transcript NM_017654.4 (MANE Select); coding-DNA position 3596, G replaced by A.
Protein change: p.Gly1199Glu; replaces glycine 1199 with glutamic acid.
Molecular consequence: missense variant.
Genome position (GRCh38, 1-based): chr7:93,102,502, C>T on the plus strand (G>A on the coding strand, the complement: SAMD9 is on the minus strand). VCF-style: chr7-93102502-C-T. GRCh37 (hg19) VCF-style: chr7-92731815-C-T.
Other names: c.3596G>A, p.Gly1199Glu (NM_001193307.2); short protein forms G1199E.
Identifiers: ClinVar variation 5028758 (VCV005028758.1).

ClinVar aggregate classification (germline): Uncertain significance (1 of 4 stars; one submission).

Conditions:
Inborn genetic diseases. Identifiers: MedGen C0950123, MeSH D030342.

gnomAD v4.1: 3 of 1,613,722 alleles (0.00019%); highest among the groups gnomAD compares: Non-Finnish European, 0.00025%; no homozygotes.

Submission:

Ambry Genetics
Classification: Uncertain significance for Inborn genetic diseases. Last evaluated: 2026-07-12. Review status: criteria provided, single submitter. Criteria: Ambry Variant Classification Scheme 2023. Collection method: clinical testing. Allele origin: germline.
Comment: The p.G1199E variant (also known as c.3596G>A), located in coding exon 1 of the SAMD9 gene, results from a G to A substitution at nucleotide position 3596. The glycine at codon 1199 is replaced by glutamic acid, an amino acid with similar properties. This amino acid position is conserved. In addition, the in silico prediction for this alteration is inconclusive. Based on the available evidence, the clinical significance of this variant remains unclear.